The following is an entry in ClinVar:

GRCh37/hg19 4q35.2(chr4:189737788-190963766)x3

Genes: FRG1 (FSHD region gene 1; plus strand), FRG2 (FSHD region gene 2; minus strand). Cytogenetic location: 4q35.2.
Variant type: copy number loss.
Change: copy number 3 (three copies instead of two) of chr4:189,737,788-190,963,766 (1.23 Mb, GRCh37 coordinates, 1-based), cytogenetic band 4q35.2.
Identifiers: ClinVar variation 252980 (VCV000252980.3).

ClinVar aggregate classification (germline): Uncertain significance (1 of 4 stars; one submission).

Submission:

Clinical Genomics Laboratory, Laboratory for Precision Diagnostics, University of Washington
Classification: Uncertain significance. Last evaluated: 2016-06-14. Review status: criteria provided, single submitter. Criteria: Clinical Cytogenomics Laboratory Policy on CNV Interpretation. Collection method: clinical testing. Allele origin: unknown. Affected: yes. Observed: 1 variant allele.

Literature cited by the submitters: PubMed 8733044; PubMed 15310400; PubMed 25846895; PubMed 24038936.